The following is an entry in ClinVar:

NM_172107.4(KCNQ2):c.1763+1640G>A

Gene: KCNQ2 (potassium voltage-gated channel subfamily Q member 2; minus strand). Cytogenetic location: 20q13.33.
Variant type: single nucleotide variant.
Coding change: c.1763+1640G>A on transcript NM_172107.4 (MANE Select); 1640 bases into the intron after coding-DNA position 1763, G replaced by A.
Molecular consequence: intron variant. On other transcripts: synonymous variant (1).
Genome position (GRCh38, 1-based): chr20:63,411,810, C>T on the plus strand (G>A on the coding strand, the complement: KCNQ2 is on the minus strand). VCF-style: chr20-63411810-C-T. GRCh37 (hg19) VCF-style: chr20-62043163-C-T.
Other names: c.1782G>A, p.Thr594= (NM_001382235.1); c.1679+1640G>A (NM_004518.6); c.1670+1640G>A (NM_172108.5); c.1709+1640G>A (NM_172106.3).
Identifiers: ClinVar variation 3257166 (VCV003257166.17).

ClinVar aggregate classification (germline): Likely benign (1 of 4 stars; one submission).

gnomAD v4.1: 7 of 676,036 alleles (0.001%); highest among the groups gnomAD compares: Admixed American, 0.0048%; no homozygotes.

Submission:

CeGaT Center for Human Genetics Tuebingen
Classification: Likely benign. Last evaluated: 2024-07-01. Review status: criteria provided, single submitter. Criteria: CeGaT Center For Human Genetics Tuebingen Variant Classification Criteria Version 2. Collection method: clinical testing. Allele origin: germline. Affected: yes. Observed: 1 variant allele.
Comment: KCNQ2: BP4, BP7